The following is an entry in ClinVar:

NM_001039660.2(IL18BP):c.355A>C (p.Thr119Pro)

Gene: IL18BP (interleukin 18 binding protein; plus strand). Cytogenetic location: 11q13.4.
Variant type: single nucleotide variant.
Coding change: c.355A>C on transcript NM_001039660.2 (MANE Select); coding-DNA position 355, A replaced by C.
Protein change: p.Thr119Pro; replaces threonine 119 with proline.
Molecular consequence: missense variant. On other transcripts: intron variant (1).
Genome position (GRCh38, 1-based): chr11:72,001,320, A>C. VCF-style: chr11-72001320-A-C. GRCh37 (hg19) VCF-style: chr11-71712366-A-C.
Other names: c.355A>C, p.Thr119Pro (NM_001039659.2, NM_001145057.1, NM_005699.3 and 2 more transcripts); c.236-464A>C (NM_001145055.1); short protein forms T119P.
Identifiers: ClinVar variation 4038248 (VCV004038248.2).

ClinVar aggregate classification (germline): Uncertain significance. Review status: criteria provided, multiple submitters, no conflicts (2 of 4 stars). 2 submissions from 2 submitters: Uncertain significance (2). Last evaluated 2025-10-02.

gnomAD v4.1: 5 of 1,614,042 alleles (0.00031%); highest among the groups gnomAD compares: East Asian, 0.0089%; no homozygotes.

Submissions (2):

Labcorp Genetics (formerly Invitae), Labcorp
Classification: Uncertain significance. Last evaluated: 2025-10-02. Review status: criteria provided, single submitter. Criteria: Invitae Variant Classification Sherloc (09022015). Collection method: clinical testing. Allele origin: germline.
Comment: This sequence change replaces threonine, which is neutral and polar, with proline, which is neutral and non-polar, at codon 119 of the IL18BP protein (p.Thr119Pro). This variant is present in population databases (rs760536753, gnomAD 0.03%). This variant has not been reported in the literature in individuals affected with IL18BP-related conditions. ClinVar contains an entry for this variant (Variation ID: 4038248). An algorithm developed to predict the effect of missense changes on protein structure and function (PolyPhen-2) suggests that this variant is likely to be tolerated. In summary, the available evidence is currently insufficient to determine the role of this variant in disease. Therefore, it has been classified as a Variant of Uncertain Significance.

Ambry Genetics
Classification: Uncertain significance. Last evaluated: 2025-05-06. Review status: criteria provided, single submitter. Criteria: Ambry Variant Classification Scheme 2023. Collection method: clinical testing. Allele origin: germline.